The following is an entry in ClinVar:

ClinVar aggregate classification (germline): Benign/Likely benign. Review status: criteria provided, multiple submitters, no conflicts (2 of 4 stars). 8 submissions from 8 submitters: Benign (7); Likely benign (1). Last evaluated 2026-09-10.

Conditions:
SYNE2-related disorder. Also called: SYNE2-related condition.
Emery-Dreifuss muscular dystrophy 5, autosomal dominant (EDMD5). Also called: EMERY-DREIFUSS MUSCULAR DYSTROPHY 5. Identifiers: Orphanet 261, MedGen C2751805, MONDO:0013072, OMIM 612999.

Allele frequency attached by ClinVar (database versions not stated): ESP Exome Variant Server 0.00051; TOPMed 0.00062; gnomAD 0.00094 and 0.00131; gnomAD exomes 0.00150 and 0.00180; ExAC 0.00200; 1000 Genomes Project 30x 0.00328; 1000 Genomes Project 0.00359.
gnomAD v4.1: 2,385 of 1,609,904 alleles (0.15%); highest among the groups gnomAD compares: East Asian, 3.3%; 42 homozygotes.

Submissions (9):

PreventionGenetics, part of Exact Sciences
Classification: Benign for SYNE2-related condition. Last evaluated: 2026-09-10. Review status: criteria provided, single submitter. Criteria: ACMG Guidelines, 2015. Collection method: clinical testing. Allele origin: germline.
Comment: This variant is classified as benign based on ACMG/AMP sequence variant interpretation guidelines (Richards et al. 2015 PMID: 25741868, with internal and published modifications).

Labcorp Genetics (formerly Invitae), Labcorp
Classification: Benign for Emery-Dreifuss muscular dystrophy 5, autosomal dominant. Last evaluated: 2025-10-18. Review status: criteria provided, single submitter. Criteria: Invitae Variant Classification Sherloc (09022015). Collection method: clinical testing. Allele origin: germline.

Blueprint Genetics
Classification: Likely benign. Last evaluated: 2024-11-25. Review status: criteria provided, single submitter. Criteria: ACMG Guidelines, 2015. Collection method: clinical testing. Allele origin: germline.

Athena Diagnostics
Classification: Benign. Last evaluated: 2024-10-07. Review status: criteria provided, single submitter. Criteria: Athena Diagnostics Criteria. Collection method: clinical testing. Allele origin: unknown.

CeGaT Center for Human Genetics Tuebingen
Classification: Benign. Last evaluated: 2022-09-01. Review status: criteria provided, single submitter. Criteria: CeGaT Center For Human Genetics Tuebingen Variant Classification Criteria Version 2. Collection method: clinical testing. Allele origin: germline. Affected: yes. Observed: 1 variant allele.
Comment: SYNE2: BS1, BS2

Illumina Laboratory Services, Illumina
Classification: Benign for Emery-Dreifuss muscular dystrophy 5, autosomal dominant. Last evaluated: 2018-01-12. Review status: criteria provided, single submitter. Criteria: ICSL Variant Classification Criteria 13 December 2019. Collection method: clinical testing. Allele origin: germline.
Comment: This variant was observed in the ICSL laboratory as part of a predisposition screen in an ostensibly healthy population. It had not been previously curated by ICSL or reported in the Human Gene Mutation Database (HGMD: prior to June 1st, 2018), and was therefore a candidate for classification through an automated scoring system. Utilizing variant allele frequency, disease prevalence and penetrance estimates, and inheritance mode, an automated score was calculated to assess if this variant is too frequent to cause the disease. Based on the score and internal cut-off values, a variant classified as benign is not then subjected to further curation. The score for this variant resulted in a classification of benign for this disease.

Eurofins Ntd Llc (ga)
Classification: Benign. Last evaluated: 2015-08-19. Review status: criteria provided, single submitter. Criteria: EGL Classification Definitions 2015. Collection method: clinical testing. Allele origin: germline. Observed: 1 variant allele, 1 heterozygote.

Breakthrough Genomics
Classification: Benign. Review status: criteria provided, single submitter. Criteria: ACMG Guidelines, 2015. Collection method: not provided. Allele origin: germline. Inheritance: Autosomal dominant inheritance. Affected: yes.

Dr. Peter K. Rogan Lab, Western University
No classification provided (evidence only). Condition: Hepatocellular carcinoma. Review status: no classification provided. Collection method: in vitro. Allele origin: not applicable. Functional consequence: retained intron. Not counted in ClinVar's aggregate classification.

Literature cited by the submitters: PubMed 29970176 (cited by Athena Diagnostics).

NM_182914.3(SYNE2):c.9347A>G (p.Lys3116Arg)

Gene: SYNE2 (spectrin repeat containing nuclear envelope protein 2; plus strand). Cytogenetic location: 14q23.2.
Variant type: single nucleotide variant.
Coding change: c.9347A>G on transcript NM_182914.3 (MANE Select); coding-DNA position 9347, A replaced by G.
Protein change: p.Lys3116Arg; replaces lysine 3116 with arginine.
Molecular consequence: missense variant.
Genome position (GRCh38, 1-based): chr14:64,053,260, A>G. VCF-style: chr14-64053260-A-G. GRCh37 (hg19) VCF-style: chr14-64519978-A-G.
Other names: c.9347A>G, p.Lys3116Arg (NM_015180.6); short protein forms K3116R.
Identifiers: ClinVar variation 282664 (VCV000282664.50), dbSNP rs138689053, ClinGen allele CA7221254.
Genomic context (GRCh38, chr14:64,053,260, plus strand): 5'-GTTTATGTGATGAGATAATAAAGAAATTAAATGAAAATAAGACCTTTGATGACTCATTCA[A>G]GGAGAAAGAAATACTACAAATAAAGCTGAATGCAGAAGAAAATGATAAGTTATACAAAGT-3'
Protein context (NP_878918.2, residues 3106-3126): NENKTFDDSF[Lys3116Arg]EKEILQIKLN